The following is an entry in ClinVar:

ClinVar aggregate classification (germline): Likely benign (0 of 4 stars; one submission).

Conditions:
PLXNA4-related disorder. Also called: PLXNA4-related condition.

Allele frequency attached by ClinVar (database versions not stated): TOPMed 0.00009; gnomAD 0.00012; ExAC 0.00042; 1000 Genomes Project 30x 0.00062; 1000 Genomes Project 0.00080.
gnomAD v4.1: 282 of 1,614,212 alleles (0.017%); highest among the groups gnomAD compares: South Asian, 0.22%; 3 homozygotes.

Submission:

PreventionGenetics, part of Exact Sciences
Classification: Likely benign for PLXNA4-related condition. Last evaluated: 2021-08-06. Review status: no assertion criteria provided. Collection method: clinical testing. Allele origin: germline.
Comment: This variant is classified as likely benign based on ACMG/AMP sequence variant interpretation guidelines (Richards et al. 2015 PMID: 25741868, with internal and published modifications).

NM_020911.2(PLXNA4):c.4458C>T (p.Ser1486=)

Gene: PLXNA4 (plexin A4; minus strand). Cytogenetic location: 7q32.3.
Variant type: single nucleotide variant.
Coding change: c.4458C>T on transcript NM_020911.2 (MANE Select); coding-DNA position 4458, C replaced by T.
Protein change: p.Ser1486=; no amino-acid change (serine 1486 retained).
Molecular consequence: synonymous variant.
Genome position (GRCh38, 1-based): chr7:132,164,184, G>A on the plus strand (C>T on the coding strand, the complement: PLXNA4 is on the minus strand). VCF-style: chr7-132164184-G-A. GRCh37 (hg19) VCF-style: chr7-131848943-G-A.
Other names: c.4458C>T, p.Ser1486= (NM_001393897.1).
Identifiers: ClinVar variation 3048817 (VCV003048817.2), dbSNP rs557551688, ClinGen allele CA4489190.
Genomic context (GRCh38, chr7:132,164,184, plus strand): 5'-ACAGATGGGTGGGCTCACCAGGGTTTTGTAGTCAATCTGCTGGCGGATGAGCTTGTCCTC[G>A]CTCAAGGAGTAGCGGGCCTCGCCCGTGATGGCGTCAATGGGGCCCTTCTCCATCTGCTGC-3'
Protein context (NP_065962.1, residues 1476-1496): AITGEARYSL[Ser1486=]EDKLIRQQID